The following is an entry in ClinVar:

ClinVar aggregate classification (germline): Uncertain significance. Review status: criteria provided, multiple submitters, no conflicts (2 of 4 stars). 2 submissions from 2 submitters: Uncertain significance (2). Last evaluated 2025-06-22.

Conditions:
Hereditary cancer-predisposing syndrome. Also called: Tumor predisposition; Neoplastic Syndromes, Hereditary; Hereditary Cancer Syndrome; Hereditary neoplastic syndrome. Identifiers: Orphanet 140162, MedGen C0027672, MeSH D009386, MONDO:0015356.
Familial cancer of breast. Also called: Hereditary breast cancer; BREAST CANCER, FAMILIAL; hereditary breast carcinoma. Identifiers: Orphanet 227535, MedGen C0346153, MONDO:0016419, OMIM 114480. Disease mechanism: loss of function.

gnomAD v4.1: 1 of 1,613,604 alleles (0.000062%); no homozygotes.

Submissions (2):

Labcorp Genetics (formerly Invitae), Labcorp
Classification: Uncertain significance for Familial cancer of breast. Last evaluated: 2025-06-22. Review status: criteria provided, single submitter. Criteria: Invitae Variant Classification Sherloc (09022015). Collection method: clinical testing. Allele origin: germline.
Comment: This sequence change replaces leucine, which is neutral and non-polar, with phenylalanine, which is neutral and non-polar, at codon 1069 of the PALB2 protein (p.Leu1069Phe). This variant is not present in population databases (gnomAD no frequency). This variant has not been reported in the literature in individuals affected with PALB2-related conditions. ClinVar contains an entry for this variant (Variation ID: 1728860). An algorithm developed to predict the effect of missense changes on protein structure and function (PolyPhen-2) suggests that this variant is likely to be disruptive. Algorithms developed to predict the effect of sequence changes on RNA splicing suggest that this variant may disrupt the consensus splice site. In summary, the available evidence is currently insufficient to determine the role of this variant in disease. Therefore, it has been classified as a Variant of Uncertain Significance.

Ambry Genetics
Classification: Uncertain significance for Hereditary cancer-predisposing syndrome. Last evaluated: 2021-04-26. Review status: criteria provided, single submitter. Criteria: Ambry Variant Classification Scheme 2023. Collection method: clinical testing. Allele origin: germline.
Comment: The p.L1069F variant (also known as c.3205C>T), located in coding exon 12 of the PALB2 gene, results from a C to T substitution at nucleotide position 3205. The leucine at codon 1069 is replaced by phenylalanine, an amino acid with highly similar properties. This amino acid position is highly conserved in available vertebrate species. In addition, this alteration is predicted to be tolerated by in silico analysis. Since supporting evidence is limited at this time, the clinical significance of this alteration remains unclear.

NM_024675.4(PALB2):c.3205C>T (p.Leu1069Phe)

Gene: PALB2 (partner and localizer of BRCA2; minus strand). Cytogenetic location: 16p12.2.
Variant type: single nucleotide variant.
Coding change: c.3205C>T on transcript NM_024675.4 (MANE Select); coding-DNA position 3205, C replaced by T.
Protein change: p.Leu1069Phe; replaces leucine 1069 with phenylalanine.
Molecular consequence: missense variant.
Genome position (GRCh38, 1-based): chr16:23,608,009, G>A on the plus strand (C>T on the coding strand, the complement: PALB2 is on the minus strand). VCF-style: chr16-23608009-G-A. GRCh37 (hg19) VCF-style: chr16-23619330-G-A.
Other names: c.3145C>T, p.Leu1049Phe (NM_001407296.1); c.3133C>T, p.Leu1045Phe (NM_001407297.1); c.3043C>T, p.Leu1015Phe (NM_001407298.1); c.2926C>T, p.Leu976Phe (NM_001407300.1); c.2320C>T, p.Leu774Phe (NM_001407304.1, NM_001407305.1, NM_001407306.1); c.2158C>T, p.Leu720Phe (NM_001407307.1); c.1417C>T, p.Leu473Phe (NM_001407312.1); c.739C>T, p.Leu247Phe (NM_001407314.1); short protein forms L774F, L1049F, L247F, L473F, L1045F, L1069F, L720F, L1015F.
Identifiers: ClinVar variation 1728860 (VCV001728860.5), dbSNP rs2506219457, ClinGen allele CA395140126.